The following is an entry in ClinVar:

NM_018163.3(DNAJC17):c.855C>G (p.Ala285=)

Gene: DNAJC17 (DnaJ heat shock protein family (Hsp40) member C17; minus strand). Cytogenetic location: 15q15.1.
Variant type: single nucleotide variant.
Coding change: c.855C>G on transcript NM_018163.3 (MANE Select); coding-DNA position 855, C replaced by G.
Protein change: p.Ala285=; no amino-acid change (alanine 285 retained).
Molecular consequence: synonymous variant.
Genome position (GRCh38, 1-based): chr15:40,768,000, G>C on the plus strand (C>G on the coding strand, the complement: DNAJC17 is on the minus strand). VCF-style: chr15-40768000-G-C. GRCh37 (hg19) VCF-style: chr15-41060198-G-C.
Other names: c.855C>G (NM_018163.2).
Identifiers: ClinVar variation 2896215 (VCV002896215.5), dbSNP rs747324198, ClinGen allele CA7484921.

ClinVar aggregate classification (germline): Likely benign. Review status: criteria provided, single submitter (1 of 4 stars). 2 submissions from 2 submitters: Likely benign (1). 1 of the submissions does not count toward it. Last evaluated 2025-07-15.

Conditions:
DNAJC17-related disorder. Also called: DNAJC17-related condition.

Allele frequency attached by ClinVar (database versions not stated): ExAC 0.00001.
gnomAD v4.1: 11 of 1,605,638 alleles (0.00069%); highest among the groups gnomAD compares: East Asian, 0.018%; no homozygotes.

Submissions (2):

Labcorp Genetics (formerly Invitae), Labcorp
Classification: Likely benign. Last evaluated: 2025-07-15. Review status: criteria provided, single submitter. Criteria: Invitae Variant Classification Sherloc (09022015). Collection method: clinical testing. Allele origin: germline.

PreventionGenetics, part of Exact Sciences
Classification: Likely benign for DNAJC17-related condition. Last evaluated: 2019-06-26. Review status: no assertion criteria provided. Collection method: clinical testing. Allele origin: germline. Not counted in ClinVar's aggregate classification.
Comment: This variant is classified as likely benign based on ACMG/AMP sequence variant interpretation guidelines (Richards et al. 2015 PMID: 25741868, with internal and published modifications).